The following is an entry in ClinVar:

NM_001288705.3(CSF1R):c.846C>A (p.Asn282Lys)

Gene: CSF1R (colony stimulating factor 1 receptor; minus strand). Cytogenetic location: 5q32.
Variant type: single nucleotide variant.
Coding change: c.846C>A on transcript NM_001288705.3 (MANE Select); coding-DNA position 846, C replaced by A.
Protein change: p.Asn282Lys; replaces asparagine 282 with lysine.
Molecular consequence: missense variant. On other transcripts: non-coding transcript variant (2).
Genome position (GRCh38, 1-based): chr5:150,077,319, G>T on the plus strand (C>A on the coding strand, the complement: CSF1R is on the minus strand). VCF-style: chr5-150077319-G-T. GRCh37 (hg19) VCF-style: chr5-149456882-G-T.
Other names: c.846C>A, p.Asn282Lys (NM_001349736.2, NM_001375320.1, NM_005211.4); c.402C>A, p.Asn134Lys (NM_001375321.1); short protein forms N134K, N282K.
Identifiers: ClinVar variation 3372261 (VCV003372261.2).

ClinVar aggregate classification (germline): Uncertain significance (1 of 4 stars; one submission).

gnomAD v4.1: 1 of 1,614,224 alleles (0.000062%); highest among the groups gnomAD compares: Non-Finnish European, 0.000085%; no homozygotes.

Submission:

GeneDx
Classification: Uncertain significance. Last evaluated: 2025-11-23. Review status: criteria provided, single submitter. Criteria: GeneDx Variant Classification Process June 2021. Collection method: clinical testing. Allele origin: germline. Affected: yes.
Comment: Not observed at significant frequency in large population cohorts (gnomAD); In silico analysis supports that this missense variant has a deleterious effect on protein structure/function; In silico analysis is inconclusive as to whether the variant alters gene splicing. In the absence of RNA/functional studies, the actual effect of this sequence change is unknown.; Has not been previously published as pathogenic or benign to our knowledge